The following is an entry in ClinVar:

NM_000135.4(FANCA):c.4178T>G (p.Val1393Gly)

Genes: FANCA (FA complementation group A; minus strand), ZNF276 (zinc finger protein 276; plus strand). Cytogenetic location: 16q24.3.
Variant type: single nucleotide variant.
Coding change: c.4178T>G on transcript NM_000135.4 (MANE Select); coding-DNA position 4178, T replaced by G.
Protein change: p.Val1393Gly; replaces valine 1393 with glycine.
Molecular consequence: missense variant. On other transcripts: synonymous variant (1), 3 prime UTR variant (2), non-coding transcript variant (4).
Genome position (GRCh38, 1-based): chr16:89,738,964, A>C on the plus strand (T>G on the coding strand, the complement: FANCA is on the minus strand). VCF-style: chr16-89738964-A-C. GRCh37 (hg19) VCF-style: chr16-89805372-A-C.
Other names: c.4182T>G, p.Arg1394= (NM_001286167.3); c.*718A>C (NM_001113525.2, NM_152287.4); short protein forms V1393G.
Identifiers: ClinVar variation 3848105 (VCV003848105.1).

ClinVar aggregate classification (germline): Uncertain significance (1 of 4 stars; one submission).

Conditions:
Inborn genetic diseases. Identifiers: MedGen C0950123, MeSH D030342.

Submission:

Ambry Genetics
Classification: Uncertain significance for Inborn genetic diseases. Last evaluated: 2025-01-11. Review status: criteria provided, single submitter. Criteria: Ambry Variant Classification Scheme 2023. Collection method: clinical testing. Allele origin: germline.
Comment: The p.V1393G variant (also known as c.4178T>G), located in coding exon 42 of the FANCA gene, results from a T to G substitution at nucleotide position 4178. The valine at codon 1393 is replaced by glycine, an amino acid with dissimilar properties. This amino acid position is conserved. In addition, the in silico prediction for this alteration is inconclusive. Based on the available evidence, the clinical significance of this variant remains unclear.